The following is an entry in ClinVar:

NM_000038.6(APC):c.7391C>G (p.Ser2464Cys)

Gene: APC (APC regulator of Wnt signaling pathway; plus strand). Cytogenetic location: 5q22.2.
Variant type: single nucleotide variant.
Coding change: c.7391C>G on transcript NM_000038.6 (MANE Select); coding-DNA position 7391, C replaced by G.
Protein change: p.Ser2464Cys; replaces serine 2464 with cysteine.
Molecular consequence: missense variant.
Genome position (GRCh38, 1-based): chr5:112,842,985, C>G. VCF-style: chr5-112842985-C-G. GRCh37 (hg19) VCF-style: chr5-112178682-C-G.
Other names: c.7391C>G, p.Ser2464Cys (NM_001127510.3, NM_001354895.2); c.7337C>G, p.Ser2446Cys (NM_001127511.3); c.7445C>G, p.Ser2482Cys (NM_001354896.2); c.7421C>G, p.Ser2474Cys (NM_001354897.2); c.7316C>G, p.Ser2439Cys (NM_001354898.2); c.7307C>G, p.Ser2436Cys (NM_001354899.2); c.7268C>G, p.Ser2423Cys (NM_001354900.2); c.7214C>G, p.Ser2405Cys (NM_001354901.2); and 5 more; short protein forms S2446C, S2464C, S2338C, S2373C, S2405C, S2181C, S2363C, S2423C.
Identifiers: ClinVar variation 569210 (VCV000569210.24), dbSNP rs766473931, ClinGen allele CA16037430.

ClinVar aggregate classification (germline): Conflicting classifications of pathogenicity. Review status: criteria provided, conflicting classifications (1 of 4 stars). 8 submissions from 8 submitters: Uncertain significance (7); Likely benign (1). Last evaluated 2025-12-24.

Conditions:
Classic or attenuated familial adenomatous polyposis. Identifiers: MedGen CN372698, MONDO:0021057.
Hereditary cancer. Identifiers: MedGen C1333600.
Familial adenomatous polyposis 1 (FAP1). Also called: FAMILIAL ADENOMATOUS POLYPOSIS 1, ATTENUATED; POLYPOSIS, ADENOMATOUS INTESTINAL. Identifiers: MedGen C2713442, MONDO:0021056, OMIM 175100. Disease mechanism: loss of function.
Hereditary cancer-predisposing syndrome. Also called: Hereditary neoplastic syndrome; Neoplastic Syndromes, Hereditary; Hereditary Cancer Syndrome; Tumor predisposition. Identifiers: Orphanet 140162, MedGen C0027672, MeSH D009386, MONDO:0015356.

Allele frequency attached by ClinVar (database versions not stated): TOPMed 0.00001.
gnomAD v4.1: 4 of 1,613,966 alleles (0.00025%); highest among the groups gnomAD compares: Admixed American, 0.005%; no homozygotes.

Submissions (8):

Labcorp Genetics (formerly Invitae), Labcorp
Classification: Uncertain significance for Familial adenomatous polyposis 1. Last evaluated: 2025-12-24. Review status: criteria provided, single submitter. Criteria: Invitae Variant Classification Sherloc (09022015). Collection method: clinical testing. Allele origin: germline.
Comment: This sequence change replaces serine, which is neutral and polar, with cysteine, which is neutral and slightly polar, at codon 2464 of the APC protein (p.Ser2464Cys). This variant is not present in population databases (gnomAD no frequency). This missense change has been observed in individual(s) with breast cancer (PMID: 35534704). ClinVar contains an entry for this variant (Variation ID: 569210). Invitae Evidence Modeling of protein sequence and biophysical properties (such as structural, functional, and spatial information, amino acid conservation, physicochemical variation, residue mobility, and thermodynamic stability) indicates that this missense variant is not expected to disrupt APC protein function with a negative predictive value of 95%. In summary, the available evidence is currently insufficient to determine the role of this variant in disease. Therefore, it has been classified as a Variant of Uncertain Significance.

Color Diagnostics, LLC DBA Color Health
Classification: Uncertain significance for Hereditary cancer-predisposing syndrome. Last evaluated: 2024-03-06. Review status: criteria provided, single submitter. Criteria: ACMG Guidelines, 2015. Collection method: clinical testing. Allele origin: germline.
Comment: This missense variant replaces serine with cysteine at codon 2464 of the APC protein. Computational prediction is inconclusive regarding the impact of this variant on protein structure and function (internally defined REVEL score threshold 0.5 < inconclusive < 0.7, PMID: 27666373). To our knowledge, functional studies have not been reported for this variant. This variant has not been reported in individuals affected with APC-related disorders in the literature. This variant has not been identified in the general population by the Genome Aggregation Database (gnomAD). The available evidence is insufficient to determine the role of this variant in disease conclusively. Therefore, this variant is classified as a Variant of Uncertain Significance.

Ambry Genetics
Classification: Uncertain significance for Hereditary cancer-predisposing syndrome. Last evaluated: 2024-02-24. Review status: criteria provided, single submitter. Criteria: Ambry Variant Classification Scheme 2023. Collection method: clinical testing. Allele origin: germline.
Comment: The p.S2464C variant (also known as c.7391C>G), located in coding exon 15 of the APC gene, results from a C to G substitution at nucleotide position 7391. The serine at codon 2464 is replaced by cysteine, an amino acid with dissimilar properties. This amino acid position is highly conserved in available vertebrate species. In addition, in silico predictors for this gene do not accurately predict pathogenicity. Since supporting evidence is limited at this time, the clinical significance of this alteration remains unclear.

Mendelics
Classification: Likely benign for Hereditary cancer. Last evaluated: 2024-01-23. Review status: criteria provided, single submitter. Criteria: ACMG Guidelines, 2015. Collection method: clinical testing. Allele origin: unknown.

Baylor Genetics
Classification: Uncertain significance for Familial adenomatous polyposis 1. Last evaluated: 2023-12-01. Review status: criteria provided, single submitter. Criteria: ACMG Guidelines, 2015. Collection method: clinical testing. Allele origin: unknown.

All of Us Research Program, National Institutes of Health
Classification: Uncertain significance for Classic or attenuated familial adenomatous polyposis. Last evaluated: 2023-10-30. Review status: criteria provided, single submitter. Criteria: ACMG Guidelines, 2015. Collection method: clinical testing. Allele origin: germline. Inheritance: Autosomal dominant inheritance. Observed: 2 variant alleles, 2 heterozygotes.
Comment: This study involves interpretation of variants in research participants for the purpose of population health screening. Participant phenotype was not available at the time of variant classification. Additional details can be found in publication PMID: 35346344, PMCID: PMC8962531

Quest Diagnostics Nichols Institute San Juan Capistrano
Classification: Uncertain significance. Last evaluated: 2023-02-10. Review status: criteria provided, single submitter. Criteria: Quest Diagnostics criteria. Collection method: clinical testing. Allele origin: unknown.
Comment: To the best of our knowledge, the variant has not been reported in the published literature. The frequency of this variant in the general population, 0.000013 (2/152214 chromosomes), is uninformative in assessment of its pathogenicity. Analysis of this variant using bioinformatics tools for the prediction of the effect of amino acid changes on protein structure and function yielded conflicting predictions that this variant is benign or damaging. Based on the available information, we are unable to determine the clinical significance of this variant.

Blueprint Genetics
Classification: Uncertain significance. Last evaluated: 2021-11-17. Review status: criteria provided, single submitter. Criteria: ACMG Guidelines, 2015. Collection method: clinical testing. Allele origin: germline.

Literature cited by the submitters: PubMed 35534704 (cited by Labcorp Genetics (formerly Invitae), Labcorp).